The following is an entry in ClinVar:

ClinVar aggregate classification (germline): Uncertain significance (1 of 4 stars; one submission).

Conditions:
BCL9-related disorder. Also called: BCL9-related condition.

gnomAD v4.1: 117 of 1,613,652 alleles (0.0073%); highest among the groups gnomAD compares: Non-Finnish European, 0.0092%; no homozygotes.

Submission:

PreventionGenetics, part of Exact Sciences
Classification: Uncertain significance for BCL9-related condition. Last evaluated: 2023-02-15. Review status: criteria provided, single submitter. Criteria: ACMG Guidelines, 2015. Collection method: clinical testing. Allele origin: germline.
Comment: The BCL9 c.3190C>T variant is predicted to result in premature protein termination (p.Arg1064*). To our knowledge, this variant has not been reported in the literature. This variant is reported in 0.0040% of alleles in individuals of African descent in gnomAD. At this time, the clinical significance of this variant is uncertain due to the absence of conclusive functional and genetic evidence.

NM_004326.4(BCL9):c.3190C>T (p.Arg1064Ter)

Gene: BCL9 (BCL9 transcription coactivator; plus strand). Cytogenetic location: 1q21.2.
Variant type: single nucleotide variant.
Coding change: c.3190C>T on transcript NM_004326.4 (MANE Select); coding-DNA position 3190, C replaced by T.
Protein change: p.Arg1064Ter; replaces arginine 1064 with a stop codon.
Molecular consequence: nonsense.
Genome position (GRCh38, 1-based): chr1:147,623,868, C>T. VCF-style: chr1-147623868-C-T. GRCh37 (hg19) VCF-style: chr1-147095669-C-T.
Other names: short protein forms R1064*.
Identifiers: ClinVar variation 2634792 (VCV002634792.1), dbSNP rs373321043, ClinGen allele CA1064957.